The following is an entry in ClinVar:

NM_000222.3(KIT):c.493G>A (p.Asp165Asn)

Gene: KIT (KIT proto-oncogene, receptor tyrosine kinase; plus strand). Cytogenetic location: 4q12.
Variant type: single nucleotide variant.
Coding change: c.493G>A on transcript NM_000222.3 (MANE Select); coding-DNA position 493, G replaced by A.
Protein change: p.Asp165Asn; replaces aspartic acid 165 with asparagine.
Molecular consequence: missense variant.
Genome position (GRCh38, 1-based): chr4:54,698,439, G>A. VCF-style: chr4-54698439-G-A. GRCh37 (hg19) VCF-style: chr4-55564605-G-A.
Other names: c.493G>A, p.Asp165Asn (NM_001093772.2, NM_001385284.1, NM_001385285.1 and 4 more transcripts); short protein forms D165N.
Identifiers: ClinVar variation 4754693 (VCV004754693.1).

ClinVar aggregate classification (germline): Uncertain significance (1 of 4 stars; one submission).

Conditions:
Gastrointestinal stromal tumor. Also called: Gastrointestinal stroma tumor; Gastrointestinal stromal tumor, somatic. Identifiers: Orphanet 44890, MedGen C0238198, MeSH D046152, MONDO:0011719, OMIM 606764, HP:0100723.

Submission:

Labcorp Genetics (formerly Invitae), Labcorp
Classification: Uncertain significance for Gastrointestinal stromal tumor. Last evaluated: 2025-09-13. Review status: criteria provided, single submitter. Criteria: Invitae Variant Classification Sherloc (09022015). Collection method: clinical testing. Allele origin: germline.
Comment: This sequence change replaces aspartic acid, which is acidic and polar, with asparagine, which is neutral and polar, at codon 165 of the KIT protein (p.Asp165Asn). This variant is not present in population databases (gnomAD no frequency). This variant has not been reported in the literature in individuals affected with KIT-related conditions. An algorithm developed to predict the effect of missense changes on protein structure and function outputs the following: PolyPhen-2: "Benign". The asparagine amino acid residue is found in multiple mammalian species, which suggests that this missense change does not adversely affect protein function. In summary, the available evidence is currently insufficient to determine the role of this variant in disease. Therefore, it has been classified as a Variant of Uncertain Significance.